The following is an entry in ClinVar:

GRCh38/hg38 Xp22.31(chrX:6633114-7637310)x3

Genes: MIR4767 (microRNA 4767; plus strand), PUDP (pseudouridine 5'-phosphatase; minus strand), STS (steroid sulfatase; plus strand), LOC113875037 (Sharpr-MPRA regulatory region 5189; plus strand), LOC126863197 (MED14-independent group 3 enhancer GRCh37_chrX:7290864-7292063; plus strand) and 11 more. Cytogenetic location: Xp22.31.
Variant type: copy number gain.
Change: copy number 3 of chrX:6,633,114-7,637,310 (1.00 Mb, GRCh38 coordinates, 1-based), cytogenetic band Xp22.31.
Identifiers: ClinVar variation 59828 (VCV000059828.1).

ClinVar aggregate classification (germline): Benign (1 of 4 stars; one submission).

Submission:

ISCA site 15
Classification: Benign. Last evaluated: 2011-08-12. Review status: criteria provided, single submitter. Criteria: Kaminsky et al. (Genet Med. 2011). Collection method: clinical testing. Allele origin: maternal. Affected: yes. Observed: 1 variant allele.
Comment: Copy number variation identified through the course of routine clinical cytogenomic testing in postnatal populations. Clinical assertions have been curated as described in Kaminsky et al. 2011.